The following is an entry in ClinVar:

ClinVar aggregate classification (germline): Uncertain significance (1 of 4 stars; one submission).

Allele frequency attached by ClinVar (database versions not stated): gnomAD 0.00001.

Submission:

Labcorp Genetics (formerly Invitae), Labcorp
Classification: Uncertain significance. Last evaluated: 2024-03-21. Review status: criteria provided, single submitter. Criteria: Invitae Variant Classification Sherloc (09022015). Collection method: clinical testing. Allele origin: germline.
Comment: This sequence change replaces proline, which is neutral and non-polar, with leucine, which is neutral and non-polar, at codon 263 of the SNIP1 protein (p.Pro263Leu). This variant is not present in population databases (gnomAD no frequency). This variant has not been reported in the literature in individuals affected with SNIP1-related conditions. ClinVar contains an entry for this variant (Variation ID: 1931088). Advanced modeling of protein sequence and biophysical properties (such as structural, functional, and spatial information, amino acid conservation, physicochemical variation, residue mobility, and thermodynamic stability) performed at Invitae indicates that this missense variant is expected to disrupt SNIP1 protein function with a positive predictive value of 80%. In summary, the available evidence is currently insufficient to determine the role of this variant in disease. Therefore, it has been classified as a Variant of Uncertain Significance.

NM_024700.4(SNIP1):c.788C>T (p.Pro263Leu)

Genes: SNIP1 (Smad nuclear interacting protein 1; minus strand), LOC126805704 (BRD4-independent group 4 enhancer GRCh37_chr1:38005292-38006491; plus strand). Cytogenetic location: 1p34.3.
Variant type: single nucleotide variant.
Coding change: c.788C>T on transcript NM_024700.4 (MANE Select); coding-DNA position 788, C replaced by T.
Protein change: p.Pro263Leu; replaces proline 263 with leucine.
Molecular consequence: missense variant.
Genome position (GRCh38, 1-based): chr1:37,540,295, G>A on the plus strand (C>T on the coding strand, the complement: SNIP1 is on the minus strand). VCF-style: chr1-37540295-G-A. GRCh37 (hg19) VCF-style: chr1-38005896-G-A.
Other names: short protein forms P263L.
Identifiers: ClinVar variation 1931088 (VCV001931088.5), dbSNP rs1643157707, ClinGen allele CA339449281.